The following is an entry in ClinVar:

NM_032776.3(JMJD1C):c.238A>T (p.Thr80Ser)

Gene: JMJD1C (jumonji domain containing 1C; minus strand). Cytogenetic location: 10q21.3.
Variant type: single nucleotide variant.
Coding change: c.238A>T on transcript NM_032776.3 (MANE Select); coding-DNA position 238, A replaced by T.
Protein change: p.Thr80Ser; replaces threonine 80 with serine.
Molecular consequence: missense variant. On other transcripts: 5 prime UTR variant (2).
Genome position (GRCh38, 1-based): chr10:63,380,413, T>A on the plus strand (A>T on the coding strand, the complement: JMJD1C is on the minus strand). VCF-style: chr10-63380413-T-A. GRCh37 (hg19) VCF-style: chr10-65140173-T-A.
Other names: c.-309A>T (NM_001318154.2); c.238A>T, p.Thr80Ser (NM_001322252.2); c.-314A>T (NM_001322258.2); short protein forms T80S.
Identifiers: ClinVar variation 839143 (VCV000839143.9), dbSNP rs377459705, ClinGen allele CA5519138.

ClinVar aggregate classification (germline): Uncertain significance (1 of 4 stars; one submission).

Conditions:
Early Myoclonic Encephalopathy. Identifiers: MedGen C0270855.

gnomAD v4.1: 58 of 1,613,762 alleles (0.0036%); highest among the groups gnomAD compares: Non-Finnish European, 0.0048%; no homozygotes.

Submission:

Labcorp Genetics (formerly Invitae), Labcorp
Classification: Uncertain significance for Early Myoclonic Encephalopathy. Last evaluated: 2024-05-21. Review status: criteria provided, single submitter. Criteria: Invitae Variant Classification Sherloc (09022015). Collection method: clinical testing. Allele origin: germline.
Comment: This sequence change replaces threonine, which is neutral and polar, with serine, which is neutral and polar, at codon 80 of the JMJD1C protein (p.Thr80Ser). This variant is present in population databases (rs377459705, gnomAD 0.006%). This variant has not been reported in the literature in individuals affected with JMJD1C-related conditions. ClinVar contains an entry for this variant (Variation ID: 839143). An algorithm developed to predict the effect of missense changes on protein structure and function (PolyPhen-2) suggests that this variant is likely to be tolerated. In summary, the available evidence is currently insufficient to determine the role of this variant in disease. Therefore, it has been classified as a Variant of Uncertain Significance.